The following is an entry in ClinVar:

NM_003823.4(TNFRSF6B):c.59C>T (p.Ala20Val)

Genes: RTEL1-TNFRSF6B (RTEL1-TNFRSF6B readthrough (NMD candidate); plus strand), TNFRSF6B (TNF receptor superfamily member 6b; plus strand). Cytogenetic location: 20q13.33.
Variant type: single nucleotide variant.
Coding change: c.59C>T on transcript NM_003823.4 (MANE Select); coding-DNA position 59, C replaced by T.
Protein change: p.Ala20Val; replaces alanine 20 with valine.
Molecular consequence: missense variant. On other transcripts: non-coding transcript variant (1).
Genome position (GRCh38, 1-based): chr20:63,696,826, C>T. VCF-style: chr20-63696826-C-T. GRCh37 (hg19) VCF-style: chr20-62328179-C-T.
Other names: short protein forms A20V.
Identifiers: ClinVar variation 4773500 (VCV004773500.1).

ClinVar aggregate classification (germline): Uncertain significance (1 of 4 stars; one submission).

gnomAD v4.1: 2 of 1,610,098 alleles (0.00012%); highest among the groups gnomAD compares: Non-Finnish European, 0.00017%; no homozygotes.

Submission:

Labcorp Genetics (formerly Invitae), Labcorp
Classification: Uncertain significance. Last evaluated: 2025-12-03. Review status: criteria provided, single submitter. Criteria: Invitae Variant Classification Sherloc (09022015). Collection method: clinical testing. Allele origin: germline.
Comment: This sequence change replaces alanine, which is neutral and non-polar, with valine, which is neutral and non-polar, at codon 20 of the TNFRSF6B protein (p.Ala20Val). This variant is not present in population databases (gnomAD no frequency). This variant has not been reported in the literature in individuals affected with TNFRSF6B-related conditions. An algorithm developed to predict the effect of missense changes on protein structure and function outputs the following: PolyPhen-2: "Not Available". The valine amino acid residue is found in multiple mammalian species, which suggests that this missense change does not adversely affect protein function. In summary, the available evidence is currently insufficient to determine the role of this variant in disease. Therefore, it has been classified as a Variant of Uncertain Significance.